The following is an entry in ClinVar:

ClinVar aggregate classification (germline): Likely pathogenic. Review status: criteria provided, multiple submitters, no conflicts (2 of 4 stars). 2 submissions from 2 submitters: Likely pathogenic (2). Last evaluated 2024-09-03.

Conditions:
GM1 gangliosidosis. Identifiers: Orphanet 354, MedGen C0085131, MONDO:0018149.
Mucopolysaccharidosis, MPS-IV-B (MPS4B). Also called: Mucopolysaccharidosis type IV B; Mucopolysaccharidosis type 4B; MORQUIO SYNDROME B; Mucopolysaccharidosis type IVB (Morquio); MPS IVB; Mucopolysaccharidosis Type IVB. Identifiers: Orphanet 309310, Orphanet 582, MedGen C0086652, MONDO:0009660, OMIM 253010.

Allele frequency attached by ClinVar (database versions not stated): gnomAD exomes below 0.00001.
gnomAD v4.1: 1 of 1,614,136 alleles (0.000062%); highest among the groups gnomAD compares: Non-Finnish European, 0.000085%; no homozygotes.

Submissions (2):

Natera, Inc.
Classification: Likely pathogenic for Mucopolysaccharidosis, MPS-IV-B. Last evaluated: 2024-09-03. Review status: criteria provided, single submitter. Criteria: Natera Variant Classification Schema (03/2026). Collection method: clinical testing. Allele origin: germline.
Comment: The c.1667T>C variant in GLB1 is a missense variant predicted to cause substitution of phenylalanine to serine at amino acid 556. This variant is rare in the general population with a frequency below the threshold expected for the associated phenotype(s). This variant has been observed in one or more individuals affected with the associated recessive disease, as either homozygous or compound heterozygous with a second variant (PMID: 33240792). Computational prediction algorithms indicate this variant is likely to affect gene or protein function. Given the available evidence, this variant is classified as Likely Pathogenic.

Labcorp Genetics (formerly Invitae), Labcorp
Classification: Likely pathogenic for Mucopolysaccharidosis, MPS-IV-B; GM1 gangliosidosis. Last evaluated: 2021-12-29. Review status: criteria provided, single submitter. Criteria: Invitae Variant Classification Sherloc (09022015). Collection method: clinical testing. Allele origin: germline.
Comment: This sequence change replaces phenylalanine, which is neutral and non-polar, with serine, which is neutral and polar, at codon 556 of the GLB1 protein (p.Phe556Ser). This variant is not present in population databases (gnomAD no frequency). This missense change has been observed in individuals with late-infantile GM1-gangliosidosis (PMID: 33240792). Advanced modeling of protein sequence and biophysical properties (such as structural, functional, and spatial information, amino acid conservation, physicochemical variation, residue mobility, and thermodynamic stability) performed at Invitae indicates that this missense variant is expected to disrupt GLB1 protein function. In summary, the currently available evidence indicates that the variant is pathogenic, but additional data are needed to prove that conclusively. Therefore, this variant has been classified as Likely Pathogenic.

Literature cited by the submitters: PubMed 33240792 (cited by Natera, Inc. and Labcorp Genetics (formerly Invitae), Labcorp).

NM_000404.4(GLB1):c.1667T>C (p.Phe556Ser)

Gene: GLB1 (galactosidase beta 1; minus strand). Cytogenetic location: 3p22.3.
Variant type: single nucleotide variant.
Coding change: c.1667T>C on transcript NM_000404.4 (MANE Select); coding-DNA position 1667, T replaced by C.
Protein change: p.Phe556Ser; replaces phenylalanine 556 with serine.
Molecular consequence: missense variant.
Genome position (GRCh38, 1-based): chr3:33,014,123, A>G on the plus strand (T>C on the coding strand, the complement: GLB1 is on the minus strand). VCF-style: chr3-33014123-A-G. GRCh37 (hg19) VCF-style: chr3-33055615-A-G.
Other names: c.1667T>C (NM_000404.3); c.1577T>C, p.Phe526Ser (NM_001079811.3); c.1274T>C, p.Phe425Ser (NM_001135602.3); c.1811T>C, p.Phe604Ser (NM_001317040.2); c.1667T>C, p.Phe556Ser (NM_001393580.1); short protein forms F425S, F556S, F604S, F526S.
Identifiers: ClinVar variation 1963157 (VCV001963157.6), dbSNP rs2471248129, ClinGen allele CA351984196.